The following is an entry in ClinVar:

ClinVar aggregate classification (germline): Uncertain significance (1 of 4 stars; one submission).

Conditions:
Cardiovascular phenotype. Identifiers: MedGen CN230736.

Submission:

Ambry Genetics
Classification: Uncertain significance for Cardiovascular phenotype. Last evaluated: 2020-05-28. Review status: criteria provided, single submitter. Criteria: Ambry Variant Classification Scheme 2023. Collection method: clinical testing. Allele origin: germline.
Comment: The p.S13722N variant (also known as c.41165G>A), located in coding exon 149 of the TTN gene, results from a G to A substitution at nucleotide position 41165. The serine at codon 13722 is replaced by asparagine, an amino acid with highly similar properties. This amino acid position is highly conserved in available vertebrate species. In addition, this alteration is predicted to be tolerated by in silico analysis. Since supporting evidence is limited at this time, the clinical significance of this alteration remains unclear.

NM_001267550.2(TTN):c.68360G>A (p.Ser22787Asn)

Genes: TTN (titin; minus strand), TTN-AS1 (TTN antisense RNA 1; plus strand). Cytogenetic location: 2q31.2.
Variant type: single nucleotide variant.
Coding change: c.68360G>A on transcript NM_001267550.2 (MANE Select); coding-DNA position 68360, G replaced by A.
Protein change: p.Ser22787Asn; replaces serine 22787 with asparagine.
Molecular consequence: missense variant.
Genome position (GRCh38, 1-based): chr2:178,578,155, C>T on the plus strand (G>A on the coding strand, the complement: TTN is on the minus strand). VCF-style: chr2-178578155-C-T. GRCh37 (hg19) VCF-style: chr2-179442882-C-T.
Other names: c.63437G>A, p.Ser21146Asn (NM_001256850.1); c.41165G>A, p.Ser13722Asn (NM_003319.4); c.60656G>A, p.Ser20219Asn (NM_133378.4); c.41540G>A, p.Ser13847Asn (NM_133432.3); c.41741G>A, p.Ser13914Asn (NM_133437.4); short protein forms S13914N, S13722N, S13847N, S20219N, S21146N, S22787N.
Identifiers: ClinVar variation 1737956 (VCV001737956.2), dbSNP rs2468817128, ClinGen allele CA349672902.